The following is an entry in ClinVar:

NM_032043.3(BRIP1):c.746G>A (p.Gly249Glu)

Gene: BRIP1 (BRCA1 interacting DNA helicase 1; minus strand). Cytogenetic location: 17q23.2.
Variant type: single nucleotide variant.
Coding change: c.746G>A on transcript NM_032043.3 (MANE Select); coding-DNA position 746, G replaced by A.
Protein change: p.Gly249Glu; replaces glycine 249 with glutamic acid.
Molecular consequence: missense variant.
Genome position (GRCh38, 1-based): chr17:61,808,639, C>T on the plus strand (G>A on the coding strand, the complement: BRIP1 is on the minus strand). VCF-style: chr17-61808639-C-T. GRCh37 (hg19) VCF-style: chr17-59886000-C-T.
Other names: short protein forms G249E.
Identifiers: ClinVar variation 1056720 (VCV001056720.12), dbSNP rs2078112856, ClinGen allele CA400484996.

ClinVar aggregate classification (germline): Uncertain significance. Review status: criteria provided, multiple submitters, no conflicts (2 of 4 stars). 2 submissions from 2 submitters: Uncertain significance (2). Last evaluated 2020-07-08.

Conditions:
Familial cancer of breast. Also called: hereditary breast carcinoma; BREAST CANCER, FAMILIAL; Hereditary breast cancer. Identifiers: Orphanet 227535, MedGen C0346153, MONDO:0016419, OMIM 114480. Disease mechanism: loss of function.
Fanconi anemia complementation group J. Also called: BRIP1-Related Fanconi Anemia. Identifiers: Orphanet 84, MedGen C1836860, MONDO:0012187, OMIM 609054.
Hereditary cancer-predisposing syndrome. Also called: Tumor predisposition; Neoplastic Syndromes, Hereditary; Hereditary Cancer Syndrome; Hereditary neoplastic syndrome. Identifiers: Orphanet 140162, MedGen C0027672, MeSH D009386, MONDO:0015356.

Allele frequency attached by ClinVar (database versions not stated): TOPMed below 0.00001.

Submissions (2):

Labcorp Genetics (formerly Invitae), Labcorp
Classification: Uncertain significance for Familial cancer of breast; Fanconi anemia complementation group J. Last evaluated: 2020-07-08. Review status: criteria provided, single submitter. Criteria: Invitae Variant Classification Sherloc (09022015). Collection method: clinical testing. Allele origin: germline.
Comment: In summary, the available evidence is currently insufficient to determine the role of this variant in disease. Therefore, it has been classified as a Variant of Uncertain Significance. Algorithms developed to predict the effect of missense changes on protein structure and function are either unavailable or do not agree on the potential impact of this missense change (SIFT: "Deleterious"; PolyPhen-2: "Probably Damaging"; Align-GVGD: "Class C15"). This variant has not been reported in the literature in individuals with BRIP1-related conditions. This variant is not present in population databases (ExAC no frequency). This sequence change replaces glycine with glutamic acid at codon 249 of the BRIP1 protein (p.Gly249Glu). The glycine residue is highly conserved and there is a moderate physicochemical difference between glycine and glutamic acid.

Ambry Genetics
Classification: Uncertain significance for Hereditary cancer-predisposing syndrome. Last evaluated: 2020-06-08. Review status: criteria provided, single submitter. Criteria: Ambry Variant Classification Scheme 2023. Collection method: clinical testing. Allele origin: germline.
Comment: The p.G249E variant (also known as c.746G>A), located in coding exon 6 of the BRIP1 gene, results from a G to A substitution at nucleotide position 746. The glycine at codon 249 is replaced by glutamic acid, an amino acid with similar properties. This amino acid position is highly conserved in available vertebrate species. In addition, this alteration is predicted to be deleterious by in silico analysis. Since supporting evidence is limited at this time, the clinical significance of this alteration remains unclear.